The following is an entry in ClinVar:

ClinVar aggregate classification (germline): Uncertain significance (1 of 4 stars; one submission).

Conditions:
COG5-congenital disorder of glycosylation. Also called: CDG IIi; CONGENITAL DISORDER OF GLYCOSYLATION, TYPE IIi; COG5-CDG. Identifiers: Orphanet 263487, MedGen C3150876, MONDO:0013325, OMIM 613612.

Submission:

Labcorp Genetics (formerly Invitae), Labcorp
Classification: Uncertain significance for COG5-congenital disorder of glycosylation. Last evaluated: 2022-02-18. Review status: criteria provided, single submitter. Criteria: Invitae Variant Classification Sherloc (09022015). Collection method: clinical testing. Allele origin: germline.
Comment: This sequence change replaces proline, which is neutral and non-polar, with arginine, which is basic and polar, at codon 466 of the COG5 protein (p.Pro466Arg). This variant is not present in population databases (gnomAD no frequency). This variant has not been reported in the literature in individuals affected with COG5-related conditions. Algorithms developed to predict the effect of missense changes on protein structure and function (SIFT, PolyPhen-2, Align-GVGD) all suggest that this variant is likely to be tolerated. In summary, the available evidence is currently insufficient to determine the role of this variant in disease. Therefore, it has been classified as a Variant of Uncertain Significance.

NM_006348.5(COG5):c.1304C>G (p.Pro435Arg)

Gene: COG5 (component of oligomeric golgi complex 5; minus strand). Cytogenetic location: 7q22.3.
Variant type: single nucleotide variant.
Coding change: c.1304C>G on transcript NM_006348.5 (MANE Select); coding-DNA position 1304, C replaced by G.
Protein change: p.Pro435Arg; replaces proline 435 with arginine.
Molecular consequence: missense variant.
Genome position (GRCh38, 1-based): chr7:107,298,151, G>C on the plus strand (C>G on the coding strand, the complement: COG5 is on the minus strand). VCF-style: chr7-107298151-G-C. GRCh37 (hg19) VCF-style: chr7-106938596-G-C.
Other names: c.1304C>G, p.Pro435Arg (NM_001161520.2, NM_001379511.1, NM_001379512.1 and 3 more transcripts); c.734C>G, p.Pro245Arg (NM_001379515.1); c.590C>G, p.Pro197Arg (NM_001379516.1); short protein forms P245R, P435R, P197R.
Identifiers: ClinVar variation 2098619 (VCV002098619.4), dbSNP rs1368212985, ClinGen allele CA368938396.